The following is an entry in ClinVar:

NM_175876.5(EXOC8):c.655C>T (p.Pro219Ser)

Gene: EXOC8 (exocyst complex component 8; minus strand). Cytogenetic location: 1q42.2.
Variant type: single nucleotide variant.
Coding change: c.655C>T on transcript NM_175876.5 (MANE Select); coding-DNA position 655, C replaced by T.
Protein change: p.Pro219Ser; replaces proline 219 with serine.
Molecular consequence: missense variant.
Genome position (GRCh38, 1-based): chr1:231,337,091, G>A on the plus strand (C>T on the coding strand, the complement: EXOC8 is on the minus strand). VCF-style: chr1-231337091-G-A. GRCh37 (hg19) VCF-style: chr1-231472837-G-A.
Other names: short protein forms P219S.
Identifiers: ClinVar variation 1512779 (VCV001512779.6), dbSNP rs1366543921, ClinGen allele CA345244734.

ClinVar aggregate classification (germline): Uncertain significance (1 of 4 stars; one submission).

Allele frequency attached by ClinVar (database versions not stated): gnomAD 0.00001.

Submission:

Labcorp Genetics (formerly Invitae), Labcorp
Classification: Uncertain significance. Last evaluated: 2022-10-17. Review status: criteria provided, single submitter. Criteria: Invitae Variant Classification Sherloc (09022015). Collection method: clinical testing. Allele origin: germline.
Comment: This sequence change replaces proline, which is neutral and non-polar, with serine, which is neutral and polar, at codon 219 of the EXOC8 protein (p.Pro219Ser). This variant is present in population databases (no rsID available, gnomAD 0.007%). This variant has not been reported in the literature in individuals affected with EXOC8-related conditions. ClinVar contains an entry for this variant (Variation ID: 1512779). Algorithms developed to predict the effect of missense changes on protein structure and function (SIFT, PolyPhen-2, Align-GVGD) all suggest that this variant is likely to be tolerated. In summary, the available evidence is currently insufficient to determine the role of this variant in disease. Therefore, it has been classified as a Variant of Uncertain Significance.